The following is an entry in ClinVar:

NM_001844.5(COL2A1):c.3375C>T (p.Gly1125=)

Gene: COL2A1 (collagen type II alpha 1 chain; minus strand). Cytogenetic location: 12q13.11.
Variant type: single nucleotide variant.
Coding change: c.3375C>T on transcript NM_001844.5 (MANE Select); coding-DNA position 3375, C replaced by T.
Protein change: p.Gly1125=; no amino-acid change (glycine 1125 retained).
Molecular consequence: synonymous variant.
Genome position (GRCh38, 1-based): chr12:47,976,872, G>A on the plus strand (C>T on the coding strand, the complement: COL2A1 is on the minus strand). VCF-style: chr12-47976872-G-A. GRCh37 (hg19) VCF-style: chr12-48370655-G-A.
Other names: c.3375C>T (NM_001844.4); c.3168C>T, p.Gly1056= (NM_033150.3).
Identifiers: ClinVar variation 806873 (VCV000806873.52), dbSNP rs543083152, ClinGen allele CA6534778.

ClinVar aggregate classification (germline): Conflicting classifications of pathogenicity. Review status: criteria provided, conflicting classifications (1 of 4 stars). 4 submissions from 4 submitters: Uncertain significance (1); Benign (1); Likely benign (2). Last evaluated 2026-06-15.

Conditions:
COL2A1-related disorder. Also called: COL2A1-related condition; COL2A1-related disorders.

Allele frequency attached by ClinVar (database versions not stated): gnomAD below 0.00001 and 0.00001; TOPMed 0.00001; ExAC 0.00002; gnomAD exomes 0.00002 and 0.00007.
gnomAD v4.1: 36 of 1,612,338 alleles (0.0022%); highest among the groups gnomAD compares: East Asian, 0.011%; no homozygotes.

Submissions (4):

PreventionGenetics, part of Exact Sciences
Classification: Uncertain significance for COL2A1-related condition. Last evaluated: 2026-06-15. Review status: criteria provided, single submitter. Criteria: ACMG Guidelines, 2015. Collection method: clinical testing. Allele origin: germline.
Comment: The COL2A1 c.3375C>T variant is not predicted to result in an amino acid change (p.=). This variant is predicted to impact splicing by one available splicing algorithm (SpliceAI, Jaganathan et al. PubMed ID: 30661751). To our knowledge, this variant has not been reported in the literature. This variant is reported in 0.038% of alleles in individuals of East Asian descent in gnomAD, which may be too frequent to be a primary cause of disease. Although we suspect that this variant may be benign, at this time, the clinical significance of this variant is uncertain due to the absence of conclusive functional and genetic evidence.

Labcorp Genetics (formerly Invitae), Labcorp
Classification: Benign. Last evaluated: 2025-09-10. Review status: criteria provided, single submitter. Criteria: Invitae Variant Classification Sherloc (09022015). Collection method: clinical testing. Allele origin: germline.

Blueprint Genetics
Classification: Likely benign. Last evaluated: 2021-08-25. Review status: criteria provided, single submitter. Criteria: ACMG Guidelines, 2015. Collection method: clinical testing. Allele origin: germline.

CeGaT Center for Human Genetics Tuebingen
Classification: Likely benign. Last evaluated: 2018-06-01. Review status: criteria provided, single submitter. Criteria: CeGaT Center For Human Genetics Tuebingen Variant Classification Criteria Version 2. Collection method: clinical testing. Allele origin: germline. Affected: yes. Observed: 2 variant alleles.